The following is an entry in ClinVar:

ClinVar aggregate classification (germline): Benign/Likely benign. Review status: criteria provided, multiple submitters, no conflicts (2 of 4 stars). 7 submissions from 7 submitters: Benign (2); Likely benign (5). Last evaluated 2026-08-01.

Conditions:
RYR1-related disorder. Also called: RYR1-related disorders; RYR1-related condition. Identifiers: MedGen CN239331.
King Denborough syndrome (KDS). Identifiers: MedGen C1840365, MONDO:0020485, OMIM 619542.
Central core myopathy (CMYO1A). Also called: CONGENITAL MYOPATHY 1A, AUTOSOMAL DOMINANT, WITH SUSCEPTIBILITY TO MALIGNANT HYPERTHERMIA; Central core disease; Myopathy, central fibrillar. Identifiers: Orphanet 597, MedGen C5830701, MONDO:0007294, OMIM 117000.
Congenital myopathy with fiber type disproportion. Also called: Congenital fiber-type disproportion; Congenital fiber-type disproportion myopathy. Identifiers: Orphanet 2020, MedGen C0546264, MONDO:0009711. Inheritance: all.
Congenital multicore myopathy with external ophthalmoplegia (CMYO1B). Also called: Congenital myopathy 1B, autosomal recessive; Minicore myopathy; MULTIMINICORE DISEASE WITH EXTERNAL OPHTHALMOPLEGIA; Minicore myopathy with external ophthalmoplegia; MULTICORE MYOPATHY. Identifiers: Orphanet 598, Orphanet 98905, MedGen C1850674, MONDO:0009712, OMIM 255320, HP:0003789.
Malignant hyperthermia, susceptibility to, 1 (MHS1). Also called: Malignant hyperthermia suceptibility 1; Anesthesia related hyperthermia; Malignant hyperpyrexia; Fulminating hyperpyrexia; Pharmacogenic myopathy; RYR1-Related Malignant Hyperthermia Susceptibility. Identifiers: Orphanet 423, MedGen C2930980, MONDO:0007783, OMIM 145600.

Allele frequency attached by ClinVar (database versions not stated): TOPMed 0.00032.
gnomAD v4.1: 88 of 1,613,010 alleles (0.0055%); highest among the groups gnomAD compares: African/African-American, 0.091%; no homozygotes.

Submissions (7):

CeGaT Center for Human Genetics Tuebingen
Classification: Likely benign. Last evaluated: 2026-08-01. Review status: criteria provided, single submitter. Criteria: CeGaT Center For Human Genetics Tuebingen Variant Classification Criteria Version 2. Collection method: clinical testing. Allele origin: germline. Affected: yes. Observed: 3 variant alleles.
Comment: RYR1: BP4, BP7

Labcorp Genetics (formerly Invitae), Labcorp
Classification: Benign for RYR1-related disorder. Last evaluated: 2026-01-28. Review status: criteria provided, single submitter. Criteria: Invitae Variant Classification Sherloc (09022015). Collection method: clinical testing. Allele origin: germline.

Blueprint Genetics
Classification: Likely benign. Last evaluated: 2024-08-22. Review status: criteria provided, single submitter. Criteria: ACMG Guidelines, 2015. Collection method: clinical testing. Allele origin: germline.

Color Diagnostics, LLC DBA Color Health
Classification: Likely benign for Malignant hyperthermia, susceptibility to, 1. Last evaluated: 2022-11-06. Review status: criteria provided, single submitter. Criteria: ACMG Guidelines, 2015. Collection method: clinical testing. Allele origin: germline.

Fulgent Genetics
Classification: Likely benign for Central core myopathy; Malignant hyperthermia, susceptibility to, 1; Congenital myopathy 4A, autosomal dominant; Congenital multicore myopathy with external ophthalmoplegia; King Denborough syndrome. Last evaluated: 2021-07-27. Review status: criteria provided, single submitter. Criteria: ACMG Guidelines, 2015. Collection method: clinical testing. Allele origin: unknown.

GeneDx
Classification: Likely benign. Last evaluated: 2018-08-10. Review status: criteria provided, single submitter. Criteria: GeneDx Variant Classification Process June 2021. Collection method: clinical testing. Allele origin: germline. Affected: yes.

PreventionGenetics, part of Exact Sciences
Classification: Benign. Last evaluated: 2018-03-29. Review status: criteria provided, single submitter. Criteria: ACMG Guidelines, 2015. Collection method: clinical testing. Allele origin: germline.

NM_000540.3(RYR1):c.7584C>G (p.Pro2528=)

Gene: RYR1 (ryanodine receptor 1; plus strand). Cytogenetic location: 19q13.2.
Variant type: single nucleotide variant.
Coding change: c.7584C>G on transcript NM_000540.3 (MANE Select); coding-DNA position 7584, C replaced by G.
Protein change: p.Pro2528=; no amino-acid change (proline 2528 retained).
Molecular consequence: synonymous variant.
Genome position (GRCh38, 1-based): chr19:38,500,960, C>G. VCF-style: chr19-38500960-C-G. GRCh37 (hg19) VCF-style: chr19-38991600-C-G.
Other names: c.7584C>G, p.Pro2528= (NM_001042723.2).
Identifiers: ClinVar variation 256553 (VCV000256553.41), dbSNP rs1465698, ClinGen allele CA069775.